The following is an entry in ClinVar:

NM_052989.3(IFT122):c.2165C>T (p.Ala722Val)

Genes: IFT122 (intraflagellar transport 122; plus strand), LOC126806810 (CDK7 strongly-dependent group 2 enhancer GRCh37_chr3:129213542-129214741; plus strand). Cytogenetic location: 3q21.3.
Variant type: single nucleotide variant.
Coding change: c.2165C>T on transcript NM_052989.3 (MANE Select); coding-DNA position 2165, C replaced by T.
Protein change: p.Ala722Val; replaces alanine 722 with valine.
Molecular consequence: missense variant.
Genome position (GRCh38, 1-based): chr3:129,495,564, C>T. VCF-style: chr3-129495564-C-T. GRCh37 (hg19) VCF-style: chr3-129214407-C-T.
Other names: c.2141C>T, p.Ala714Val (NM_001280541.2); c.1715C>T, p.Ala572Val (NM_001280545.2); c.1538C>T, p.Ala513Val (NM_001280546.2); c.1988C>T, p.Ala663Val (NM_018262.4); c.2318C>T, p.Ala773Val (NM_052985.4); c.1832C>T, p.Ala611Val (NM_052990.3); c.2318C>T (NM_052985.2); short protein forms A611V, A773V, A722V, A714V, A513V, A572V, A663V.
Identifiers: ClinVar variation 1364859 (VCV001364859.7), dbSNP rs143662777, ClinGen allele CA2606421.
Genomic context (GRCh38, chr3:129,495,564, plus strand): 5'-ACCAGGGGAAGTTCCATGAGGCCGCCAAACTGTACAAGAGGAGTGGGCACGAGAACCTCG[C>T]GCTTGAAATGTACACCGACCTCTGCATGTTTGAGTATGCCAAGGTAACCTACCCTGTCCC-3'
Protein context (NP_443715.1, residues 712-732): LYKRSGHENL[Ala722Val]LEMYTDLCMF

ClinVar aggregate classification (germline): Uncertain significance. Review status: criteria provided, multiple submitters, no conflicts (2 of 4 stars). 3 submissions from 3 submitters: Uncertain significance (3). Last evaluated 2025-04-11.

Conditions:
Inborn genetic diseases. Identifiers: MedGen C0950123, MeSH D030342.
Cranioectodermal dysplasia 1 (CED1). Also called: LEVIN SYNDROME I. Identifiers: Orphanet 1515, MedGen C0432235, MONDO:0021093, OMIM 218330.

Allele frequency attached by ClinVar (database versions not stated): gnomAD exomes 0.00002; TOPMed 0.00004; ESP Exome Variant Server 0.00008.
gnomAD v4.1: 37 of 1,614,064 alleles (0.0023%); highest among the groups gnomAD compares: Non-Finnish European, 0.0027%; no homozygotes.

Submissions (3):

Ambry Genetics
Classification: Uncertain significance for Inborn genetic diseases. Last evaluated: 2025-04-11. Review status: criteria provided, single submitter. Criteria: Ambry Variant Classification Scheme 2023. Collection method: clinical testing. Allele origin: germline.

Labcorp Genetics (formerly Invitae), Labcorp
Classification: Uncertain significance for Cranioectodermal dysplasia 1. Last evaluated: 2022-02-19. Review status: criteria provided, single submitter. Criteria: Invitae Variant Classification Sherloc (09022015). Collection method: clinical testing. Allele origin: germline.
Comment: This sequence change replaces alanine, which is neutral and non-polar, with valine, which is neutral and non-polar, at codon 773 of the IFT122 protein (p.Ala773Val). This variant is present in population databases (rs143662777, gnomAD 0.008%). This variant has not been reported in the literature in individuals affected with IFT122-related conditions. Algorithms developed to predict the effect of missense changes on protein structure and function (SIFT, PolyPhen-2, Align-GVGD) all suggest that this variant is likely to be disruptive. In summary, the available evidence is currently insufficient to determine the role of this variant in disease. Therefore, it has been classified as a Variant of Uncertain Significance.

Fulgent Genetics
Classification: Uncertain significance for Cranioectodermal dysplasia 1. Last evaluated: 2022-02-09. Review status: criteria provided, single submitter. Criteria: ACMG Guidelines, 2015. Collection method: clinical testing. Allele origin: unknown.